The following is an entry in ClinVar:

NM_000059.4(BRCA2):c.4965C>G (p.Tyr1655Ter)

Gene: BRCA2 (BRCA2 DNA repair associated; plus strand). Cytogenetic location: 13q13.1.
Variant type: single nucleotide variant.
Coding change: c.4965C>G on transcript NM_000059.4 (MANE Select); coding-DNA position 4965, C replaced by G.
Protein change: p.Tyr1655Ter; replaces tyrosine 1655 with a stop codon.
Molecular consequence: nonsense.
Genome position (GRCh38, 1-based): chr13:32,339,320, C>G. VCF-style: chr13-32339320-C-G. GRCh37 (hg19) VCF-style: chr13-32913457-C-G.
Other names: p.Y1655*:TAC>TAG; 5193C>G; short protein forms Y1655*.
Identifiers: ClinVar variation 37936 (VCV000037936.66), dbSNP rs80358721, ClinGen allele CA021070.

ClinVar aggregate classification (germline): Pathogenic. Review status: reviewed by expert panel (3 of 4 stars). 35 submissions from 35 submitters: Pathogenic (1). 34 of the submissions do not count toward it. Last evaluated 2016-09-08.

Conditions:
Familial prostate cancer. Also called: Hereditary Prostate Cancer. Identifiers: MedGen C2931456, MONDO:0700275, OMIM 176807.
Pancreatic cancer, susceptibility to, 2. Identifiers: Orphanet 1333, MedGen C3150546, MONDO:0013235, OMIM 613347.
Fanconi anemia complementation group D1. Also called: BRCA2-Related Fanconi Anemia. Identifiers: Orphanet 319462, MedGen C1838457, MONDO:0011584, OMIM 605724.
Breast-ovarian cancer, familial, susceptibility to, 2 (BROVCA2). Also called: BRCA2 Hereditary Breast and Ovarian Cancer. Identifiers: Orphanet 145, MedGen C2675520, MONDO:0012933, OMIM 612555. Disease mechanism: loss of function.
Familial cancer of breast. Also called: BREAST CANCER, FAMILIAL; Hereditary breast cancer; hereditary breast carcinoma. Identifiers: Orphanet 227535, MedGen C0346153, MONDO:0016419, OMIM 114480. Disease mechanism: loss of function.
Inherited ovarian cancer (without breast cancer).
BRCA2-related cancer predisposition. Identifiers: MedGen CN377758, MONDO:0700269.
BRCA2-related disorder. Also called: BRCA2-related condition; BRCA2-related disorders. Identifiers: MedGen CN239275.
Hereditary cancer-predisposing syndrome. Also called: Hereditary Cancer Syndrome; Hereditary neoplastic syndrome; Neoplastic Syndromes, Hereditary; Tumor predisposition. Identifiers: Orphanet 140162, MedGen C0027672, MeSH D009386, MONDO:0015356.
Prostate cancer. Also called: Malignant tumor of prostate. Identifiers: Orphanet 1331, MedGen C0376358, MONDO:0008315, HP:0012125.
Wilms tumor 1 (WT1). Also called: Wilms tumor, somatic. Identifiers: Orphanet 654, MedGen CN033288, MONDO:0008679, OMIM 194070.
Medulloblastoma (MDB). Also called: Medulloblastoma, somatic; MEDULLOBLASTOMA PREDISPOSITION SYNDROME. Identifiers: Orphanet 616, MedGen C0025149, MeSH D008527, MONDO:0007959, OMIM 155255, HP:0002885.
Glioma susceptibility 3 (GLM3). Also called: Glioblastoma 3. Identifiers: Orphanet 182067, Orphanet 360, MedGen C2751641, MONDO:0013093, OMIM 613029.
Hereditary breast ovarian cancer syndrome. Also called: Breast and ovarian cancer; BRCA1- and BRCA2-Associated Hereditary Breast and Ovarian Cancer; Hereditary breast and/or ovarian cancer syndrome; Hereditary breast and ovarian cancer; Hereditary breast and ovarian cancer syndrome; Hereditary breast and ovarian cancer syndrome (HBOC). Identifiers: Orphanet 145, MedGen C0677776, MeSH D061325, MONDO:0003582. Disease mechanism: loss of function.
Ovarian neoplasm. Also called: Ovarian Neoplasms; Neoplasm of ovary; Ovarian tumor. Identifiers: MedGen C0919267, MeSH D010051, MONDO:0021068, HP:0100615.
Breast-ovarian cancer, familial, susceptibility to, 1 (BROVCA1). Also called: BRCA1 Hereditary Breast and Ovarian Cancer; OVARIAN CANCER, SUSCEPTIBILITY TO. Identifiers: Orphanet 145, MedGen C2676676, MONDO:0011450, OMIM 604370. Disease mechanism: loss of function.

Allele frequency attached by ClinVar (database versions not stated): gnomAD exomes below 0.00001; ExAC 0.00001; TOPMed 0.00002; gnomAD 0.00004.
gnomAD v4.1: 24 of 1,601,530 alleles (0.0015%); highest among the groups gnomAD compares: Non-Finnish European, 0.002%; no homozygotes.

Submissions 1 to 9 of 35:

Evidence-based Network for the Interpretation of Germline Mutant Alleles (ENIGMA)
Classification: Pathogenic for Breast-ovarian cancer, familial, susceptibility to, 2. Last evaluated: 2016-09-08. Review status: reviewed by expert panel. Criteria: ENIGMA BRCA1/2 Classification Criteria (2015). Collection method: curation. Allele origin: germline.
Comment: Variant allele predicted to encode a truncated non-functional protein.

Genetics Laboratory, Great Ormond Street Hospital NHS Foundation Trust, North Thames Genomic Laboratory Hub
Classification: Pathogenic for Inherited ovarian cancer (without breast cancer). Last evaluated: 2026-09-24. Review status: criteria provided, single submitter. Criteria: CanVIG BRCA Gene Specific V1.22. Collection method: clinical testing. Allele origin: germline. Affected: yes. Not counted in ClinVar's aggregate classification.
Comment: PVS1_very-strong, PM5_strong, PP4_very-strong

CeGaT Center for Human Genetics Tuebingen
Classification: Pathogenic. Last evaluated: 2026-07-01. Review status: criteria provided, single submitter. Criteria: CeGaT Center For Human Genetics Tuebingen Variant Classification Criteria Version 2. Collection method: clinical testing. Allele origin: germline. Affected: yes. Observed: 1 variant allele. Not counted in ClinVar's aggregate classification.
Comment: BRCA2: PVS1, PS4:Moderate, PM2:Supporting

Labcorp Genetics (formerly Invitae), Labcorp
Classification: Pathogenic for Hereditary breast ovarian cancer syndrome. Last evaluated: 2026-01-20. Review status: criteria provided, single submitter. Criteria: Invitae Variant Classification Sherloc (09022015). Collection method: clinical testing. Allele origin: germline. Not counted in ClinVar's aggregate classification.
Comment: This sequence change creates a premature translational stop signal (p.Tyr1655*) in the BRCA2 gene. It is expected to result in an absent or disrupted protein product. Loss-of-function variants in BRCA2 are known to be pathogenic (PMID: 20104584). This variant is present in population databases (rs80358721, gnomAD 0.002%). This premature translational stop signal has been observed in individual(s) with breast, ovarian and prostate cancer (PMID: 17688236, 20858050, 21709188, 23569316, 24728189, 26681312). This variant is also known as 5685C>G and 5193C>G. ClinVar contains an entry for this variant (Variation ID: 37936). For these reasons, this variant has been classified as Pathogenic.

Variantyx, Inc.
Classification: Pathogenic for Breast-ovarian cancer, familial, susceptibility to, 2. Last evaluated: 2025-12-03. Review status: criteria provided, single submitter. Criteria: Variantyx Assertion Criteria 2022. Collection method: clinical testing. Allele origin: germline. Inheritance: Autosomal dominant inheritance. Affected: yes. Not counted in ClinVar's aggregate classification.
Comment: This is a nonsense variant in the BRCA2 gene (OMIM: 600185). Pathogenic variants in this gene have been associated with autosomal dominant susceptibility to familial breast-ovarian cancer 2. This variant introduces a premature termination codon in exon 11¬†out of 27 where a different proven pathogenic termination codon variants have been observed in affected individuals (PM5_Strong)and is expected to result in loss of function, which is a known disease mechanism for BRCA2 in this disorder (PMID: 20301425) (PVS1). This variant has been reported in several unrelated affected individuals (PMID: 17688236, 22009639, 25186627, 26681312, 29446198, 32338768, 32427313, 32853339) and it has a 0.0020% maximum allele frequency in non-founder control populations. Other reputable laboratories have reported this variant as pathogenic, and this classification has been validated by an expert panel in ClinVar. Based on current evidence, this variant is classified as pathogenic for autosomal dominant susceptibility to familial breast-ovarian cancer 2.

Otogenetics
Classification: Pathogenic for Familial cancer of breast; Breast-ovarian cancer, familial, susceptibility to, 2; Fanconi anemia complementation group D1; Pancreatic cancer, susceptibility to, 2; Familial prostate cancer. Last evaluated: 2025-11-21. Review status: criteria provided, single submitter. Criteria: ACMG Guidelines, 2015. Collection method: clinical testing. Allele origin: germline. Not counted in ClinVar's aggregate classification.
Comment: PVS1: Stop gain variant introduces premature stop codon in gene with loss of function as mechanism of disease, predicted to undergo NMD; PM2_Supporting: Maximum gnomAD MAF of 0.0009% in European-Non Finnish (NFE) subpopulation exomes (<0.05% threshold); PM5_Strong: Protein termination codon (PTC) variant in an exon where a different proven pathogenic PTC variant has been seen before.

PreventionGenetics, part of Exact Sciences
Classification: Pathogenic for BRCA2-related condition. Last evaluated: 2025-08-01. Review status: criteria provided, single submitter. Criteria: ACMG Guidelines, 2015. Collection method: clinical testing. Allele origin: germline. Not counted in ClinVar's aggregate classification.
Comment: The BRCA2 c.4965C>G variant is predicted to result in premature protein termination (p.Tyr1655*). This variant has been reported in individuals with breast and/or ovarian cancer (Table S1, Song et al. 2014. PubMed ID: 24728189; Supplemental Data, Tung et al. 2014. PubMed ID: 25186627; Table S1, Susswein et al. 2015. PubMed ID: 26681312; Dominguez-Valentin et al. 2018. PubMed ID: 29371908) and in an individual with prostate cancer (Table A1, Castro et al. 2013. PubMed ID: 23569316). This variant is reported in 0.0016% of alleles in individuals of European (Non-Finnish) descent in gnomAD and is reported as pathogenic in ClinVar (Variation ID: 37936). Nonsense variants in BRCA2 are expected to be pathogenic. This variant is interpreted as pathogenic.

Institute of Immunology and Genetics Kaiserslautern
Classification: Pathogenic for Breast-ovarian cancer, familial, susceptibility to, 1. Last evaluated: 2025-07-29. Review status: criteria provided, single submitter. Criteria: ACMG Guidelines, 2015. Collection method: clinical testing. Allele origin: germline. Affected: yes. Not counted in ClinVar's aggregate classification.
Comment: ACMG Criteria: PVS1, PS4, PM2, PP5_M.

Ambry Genetics
Classification: Pathogenic for Hereditary cancer-predisposing syndrome. Last evaluated: 2025-05-05. Review status: criteria provided, single submitter. Criteria: Ambry Variant Classification Scheme 2023. Collection method: clinical testing. Allele origin: germline. Not counted in ClinVar's aggregate classification.
Comment: The p.Y1655* pathogenic mutation (also known as c.4965C>G), located in coding exon 10 of the BRCA2 gene, results from a C to G substitution at nucleotide position 4965. This changes the amino acid from a tyrosine to a stop codon within coding exon 10. This mutation has been identified in breast, ovarian, and prostate cancer patients (Ramus SJ et al. Hum. Mutat. 2007 Dec;28:1207-15; Bayraktar S et al. Cancer. 2012 Mar;118:1515-22; Castro E et al. J. Clin. Oncol. 2013 May;31:1748-57; Song H et al. Hum. Mol. Genet. 2014 Sep;23:4703-9; Susswein LR et al. Genet. Med. 2016 08;18:823-32). In addition to the clinical data presented in the literature, this alteration is expected to result in loss of function by premature protein truncation or nonsense-mediated mRNA decay. As such, this alteration is interpreted as a disease-causing mutation.